The following is an entry in ClinVar:

ClinVar aggregate classification (germline): Likely pathogenic (1 of 4 stars; one submission).

Conditions:
Autosomal dominant nonsyndromic hearing loss 9. Identifiers: Orphanet 90635, MedGen C1832425, MONDO:0011058, OMIM 601369.

Submission:

Institute of Rare Diseases, West China Hospital, Sichuan University
Classification: Likely pathogenic for Autosomal dominant nonsyndromic hearing loss 9. Last evaluated: 2025-01-09. Review status: criteria provided, single submitter. Criteria: ClinGen HL ACMG Specifications v1. Collection method: research. Allele origin: germline. Affected: yes.
Comment: PM1;PM5;PM2_Supporting;PP3

NM_004086.3(COCH):c.340C>G (p.Leu114Val)

Genes: COCH (cochlin; plus strand), COCH-AS1 (COCH antisense RNA 1; minus strand). Cytogenetic location: 14q12.
Variant type: single nucleotide variant.
Coding change: c.340C>G on transcript NM_004086.3 (MANE Select); coding-DNA position 340, C replaced by G.
Protein change: p.Leu114Val; replaces leucine 114 with valine.
Molecular consequence: missense variant.
Genome position (GRCh38, 1-based): chr14:30,878,911, C>G. VCF-style: chr14-30878911-C-G. GRCh37 (hg19) VCF-style: chr14-31348117-C-G.
Other names: c.340C>G, p.Leu114Val (NM_001135058.2); c.535C>G, p.Leu179Val (NM_001347720.2); short protein forms L114V, L179V.
Identifiers: ClinVar variation 3601054 (VCV003601054.1).